The following is an entry in ClinVar:

ClinVar aggregate classification (germline): Likely benign. Review status: criteria provided, single submitter (1 of 4 stars). 2 submissions from 2 submitters: Likely benign (1). 1 of the submissions does not count toward it. Last evaluated 2025-12-17.

Conditions:
PCNT-related disorder. Also called: PCNT-related condition.

Allele frequency attached by ClinVar (database versions not stated): 1000 Genomes Project 0.00020; TOPMed 0.00003; gnomAD 0.00004; ExAC 0.00009; 1000 Genomes Project 30x 0.00016.
gnomAD v4.1: 33 of 1,559,472 alleles (0.0021%); highest among the groups gnomAD compares: East Asian, 0.019%; 1 homozygote.

Submissions (2):

Labcorp Genetics (formerly Invitae), Labcorp
Classification: Likely benign. Last evaluated: 2025-12-17. Review status: criteria provided, single submitter. Criteria: Invitae Variant Classification Sherloc (09022015). Collection method: clinical testing. Allele origin: germline.

PreventionGenetics, part of Exact Sciences
Classification: Likely benign for PCNT-related condition. Last evaluated: 2023-09-30. Review status: no assertion criteria provided. Collection method: clinical testing. Allele origin: germline. Not counted in ClinVar's aggregate classification.
Comment: This variant is classified as likely benign based on ACMG/AMP sequence variant interpretation guidelines (Richards et al. 2015 PMID: 25741868, with internal and published modifications).

NM_006031.6(PCNT):c.5772G>A (p.Ala1924=)

Gene: PCNT (pericentrin; plus strand). Cytogenetic location: 21q22.3.
Variant type: single nucleotide variant.
Coding change: c.5772G>A on transcript NM_006031.6 (MANE Select); coding-DNA position 5772, G replaced by A.
Protein change: p.Ala1924=; no amino-acid change (alanine 1924 retained).
Molecular consequence: synonymous variant.
Genome position (GRCh38, 1-based): chr21:46,411,845, G>A. VCF-style: chr21-46411845-G-A. GRCh37 (hg19) VCF-style: chr21-47831759-G-A.
Other names: c.5772G>A (NM_006031.5); c.5418G>A, p.Ala1806= (NM_001315529.2).
Identifiers: ClinVar variation 2897037 (VCV002897037.5), dbSNP rs557056406, ClinGen allele CA10080087.